The following is an entry in ClinVar:

ClinVar aggregate classification (germline): Benign/Likely benign. Review status: criteria provided, multiple submitters, no conflicts (2 of 4 stars). 8 submissions from 8 submitters: Benign (4); Likely benign (2). 2 of the submissions do not count toward it. Last evaluated 2026-01-27.

Conditions:
Coffin-Siris syndrome 1 (CSS1). Also called: Mental retardation, autosomal dominant 12; ARID1B-Related Coffin-Siris Syndrome. Identifiers: Orphanet 1465, MedGen C3281201, MONDO:0007617, OMIM 135900. Disease mechanism: gain of function.
Inborn genetic diseases. Identifiers: MedGen C0950123, MeSH D030342.

Submissions (8):

Labcorp Genetics (formerly Invitae), Labcorp
Classification: Benign. Last evaluated: 2026-01-27. Review status: criteria provided, single submitter. Criteria: Invitae Variant Classification Sherloc (09022015). Collection method: clinical testing. Allele origin: germline.

Fulgent Genetics
Classification: Likely benign for Coffin-Siris syndrome 1. Last evaluated: 2021-09-27. Review status: criteria provided, single submitter. Criteria: ACMG Guidelines, 2015. Collection method: clinical testing. Allele origin: unknown.

GeneDx
Classification: Likely benign. Last evaluated: 2021-04-14. Review status: criteria provided, single submitter. Criteria: GeneDx Variant Classification Process June 2021. Collection method: clinical testing. Allele origin: germline. Affected: yes.
Comment: This variant is associated with the following publications: (PMID: 22405089)

Mendelics
Classification: Benign for Coffin-Siris syndrome 1. Last evaluated: 2019-05-28. Review status: criteria provided, single submitter. Criteria: Mendelics Assertion Criteria 2017. Collection method: clinical testing. Allele origin: unknown.

Ambry Genetics
Classification: Benign for Inborn genetic diseases. Last evaluated: 2018-07-12. Review status: criteria provided, single submitter. Criteria: Ambry Variant Classification Scheme 2023. Collection method: clinical testing. Allele origin: germline.

Genetic Services Laboratory, University of Chicago
Classification: Benign. Last evaluated: 2015-09-30. Review status: criteria provided, single submitter. Criteria: ACMG Guidelines, 2015. Collection method: clinical testing. Allele origin: germline. Affected: no.

Diagnostic Laboratory, Department of Genetics, University Medical Center Groningen
Classification: Benign. Review status: no assertion criteria provided. Collection method: clinical testing. Allele origin: germline. Affected: yes. Study: VKGL Data-share Consensus. Not counted in ClinVar's aggregate classification.

Genome Diagnostics Laboratory, University Medical Center Utrecht
Classification: Benign. Review status: no assertion criteria provided. Collection method: clinical testing. Allele origin: germline. Affected: yes. Study: VKGL Data-share Consensus. Not counted in ClinVar's aggregate classification.

NM_001374828.1(ARID1B):c.591GCA[9] (p.Gln214_His215insGlnGln)

Genes: ARID1B (AT-rich interaction domain 1B; plus strand), LOC115308161 (uncharacterized LOC115308161; minus strand). Cytogenetic location: 6q25.3.
Variant type: Microsatellite.
Coding change: c.591GCA[9] on transcript NM_001374828.1 (MANE Select); nine copies in a row of the 3-base unit GCA starting at c.591; the reference has seven copies in a row; two copies, 6 bases duplicated.
Protein change: p.Gln214_His215insGlnGln.
Molecular consequence: inframe insertion. On other transcripts: non-coding transcript variant (1).
Genome position (GRCh38, 1-based): chr6:156,778,286-156,778,291, GCAGCA duplicated; duplicating any 6 consecutive bases within chr6:156,778,269-156,778,291 gives the same sequence; the position shown is the placement nearest the transcript's 3' end. VCF-style (leftmost placement, unchanged base first): chr6-156778268-C-CCAGCAG. GRCh37 (hg19) VCF-style: chr6-157099402-C-CCAGCAG.
Other names: c.357_362dupGCAGCA (NM_020732.3); c.606_611dup (NM_001374820.1); c.591GCA[9], p.Gln214_His215insGlnGln (NM_001371656.1, NM_001374820.1, NM_017519.3).
Identifiers: ClinVar variation 210284 (VCV000210284.25), dbSNP rs587779743, ClinGen allele CA205084.